The following is an entry in ClinVar:

ClinVar aggregate classification (germline): Uncertain significance (1 of 4 stars; one submission).

Allele frequency attached by ClinVar (database versions not stated): gnomAD 0.00001; TOPMed 0.00002; ExAC 0.00003.
gnomAD v4.1: 22 of 1,590,192 alleles (0.0014%); highest among the groups gnomAD compares: Middle Eastern, 0.15%; no homozygotes.

Submission:

Labcorp Genetics (formerly Invitae), Labcorp
Classification: Uncertain significance. Last evaluated: 2025-11-15. Review status: criteria provided, single submitter. Criteria: Invitae Variant Classification Sherloc (09022015). Collection method: clinical testing. Allele origin: germline.
Comment: This sequence change replaces valine, which is neutral and non-polar, with isoleucine, which is neutral and non-polar, at codon 542 of the ERBIN protein (p.Val542Ile). This variant is present in population databases (rs765458384, gnomAD 0.02%). This variant has not been reported in the literature in individuals affected with ERBIN-related conditions. ClinVar contains an entry for this variant (Variation ID: 2157108). An algorithm developed to predict the effect of missense changes on protein structure and function outputs the following: PolyPhen-2: "Benign". The isoleucine amino acid residue is found in multiple mammalian species, which suggests that this missense change does not adversely affect protein function. In summary, the available evidence is currently insufficient to determine the role of this variant in disease. Therefore, it has been classified as a Variant of Uncertain Significance.

NM_001253697.2(ERBIN):c.1624G>A (p.Val542Ile)

Gene: ERBIN (erbb2 interacting protein; plus strand). Cytogenetic location: 5q12.3.
Variant type: single nucleotide variant.
Coding change: c.1624G>A on transcript NM_001253697.2 (MANE Select); coding-DNA position 1624, G replaced by A.
Protein change: p.Val542Ile; replaces valine 542 with isoleucine.
Molecular consequence: missense variant.
Genome position (GRCh38, 1-based): chr5:66,046,374, G>A. VCF-style: chr5-66046374-G-A. GRCh37 (hg19) VCF-style: chr5-65342202-G-A.
Other names: c.1624G>A, p.Val542Ile (NM_001006600.3, NM_001253698.2, NM_001253699.2 and 1 more transcripts); c.1612G>A, p.Val538Ile (NM_001253701.2); short protein forms V542I, V538I.
Identifiers: ClinVar variation 2157108 (VCV002157108.4), dbSNP rs765458384, ClinGen allele CA3286309.